The following is an entry in ClinVar:

NM_025233.7(COASY):c.880G>A (p.Gly294Arg)

Gene: COASY (Coenzyme A synthase; plus strand). Cytogenetic location: 17q21.2.
Variant type: single nucleotide variant.
Coding change: c.880G>A on transcript NM_025233.7 (MANE Select); coding-DNA position 880, G replaced by A.
Protein change: p.Gly294Arg; replaces glycine 294 with arginine.
Molecular consequence: missense variant.
Genome position (GRCh38, 1-based): chr17:42,564,140, G>A. VCF-style: chr17-42564140-G-A. GRCh37 (hg19) VCF-style: chr17-40716158-G-A.
Other names: c.880G>A, p.Gly294Arg (NM_001042529.3); c.967G>A, p.Gly323Arg (NM_001042532.4); c.967G>A (NM_001042532.2); short protein forms G323R, G294R.
Identifiers: ClinVar variation 1469899 (VCV001469899.6), dbSNP rs780099544, ClinGen allele CA399595805.

ClinVar aggregate classification (germline): Uncertain significance. Review status: criteria provided, multiple submitters, no conflicts (2 of 4 stars). 2 submissions from 2 submitters: Uncertain significance (2). Last evaluated 2025-01-21.

Conditions:
Neurodegeneration with brain iron accumulation 6 (NBIA6). Also called: COASY protein-associated neurodegeneration. Identifiers: Orphanet 397725, MedGen C4517377, MONDO:0014290, OMIM 615643.

Submissions (2):

Ambry Genetics
Classification: Uncertain significance. Last evaluated: 2025-01-21. Review status: criteria provided, single submitter. Criteria: Ambry Variant Classification Scheme 2023. Collection method: clinical testing. Allele origin: germline.

Labcorp Genetics (formerly Invitae), Labcorp
Classification: Uncertain significance for Neurodegeneration with brain iron accumulation 6. Last evaluated: 2021-12-02. Review status: criteria provided, single submitter. Criteria: Invitae Variant Classification Sherloc (09022015). Collection method: clinical testing. Allele origin: germline.
Comment: Algorithms developed to predict the effect of missense changes on protein structure and function (SIFT, PolyPhen-2, Align-GVGD) all suggest that this variant is likely to be disruptive. In summary, the available evidence is currently insufficient to determine the role of this variant in disease. Therefore, it has been classified as a Variant of Uncertain Significance. This variant has not been reported in the literature in individuals affected with COASY-related conditions. This sequence change replaces glycine, which is neutral and non-polar, with arginine, which is basic and polar, at codon 294 of the COASY protein (p.Gly294Arg). This variant is not present in population databases (gnomAD no frequency).